The following is an entry in ClinVar:

NM_000535.5(PMS2):c.904-10_*10del

Gene: PMS2 (PMS1 homolog 2, mismatch repair system component; minus strand). Cytogenetic location: 7p22.1.
Variant type: Deletion.
Coding change: c.904-10_*10del on transcript NM_000535.5; 10 bases into the intron before coding-DNA position 904 through 10 bases downstream of the stop codon, this stretch deleted.
Other names: c.904-10_*10del (LRG_161t1).
Identifiers: ClinVar variation 648932 (VCV000648932.1).

ClinVar aggregate classification (germline): Pathogenic (1 of 4 stars; one submission).

Conditions:
Hereditary nonpolyposis colorectal neoplasms. Identifiers: MedGen C0009405, MeSH D003123.

Submission:

Labcorp Genetics (formerly Invitae), Labcorp
Classification: Pathogenic for Hereditary nonpolyposis colon cancer. Last evaluated: 2019-01-03. Review status: criteria provided, single submitter. Criteria: Invitae Variant Classification Sherloc (09022015). Collection method: clinical testing. Allele origin: germline.
Comment: This variant is a gross deletion of the genomic region encompassing exons 9-15 of the PMS2 gene. The 5' boundary is likely confined to intron 8. The 3' end of this event is unknown as it extends through the termination codon beyond the assayed region for this gene and may encompass additional genes. While this deletion is not anticipated to result in nonsense mediated decay, it is expected to create a truncated protein product or disrupt mRNA translation. Similar deletions of exons 9-15 have been observed in an individual affected with Lynch syndrome (PMID: 21618646), an individual affected with colorectal cancer (PMID: 17258725), and an individual affected with constitutional mismatch repair deficiency (PMID: 23629955).Â¬â€ ClinVar contains an entry for this variant (Variation ID: 455093). Sub-genic deletion of exons 14-15 disrupting the C-terminal portion of the MLH1 interaction domain required for PMS2-MLH1 dimerization (PMID: 10037723) and mismatch repair activity (PMID: 16338176, 20533529) has been determined to be pathogenic (PMID: 21618646, 24440087, 26318770,Â¬â€ Invitae).Â¬â€ Therefore, deletions that fully encompass that region are also expected to be pathogenic. For these reasons, this variant has been classified as Pathogenic.

Literature cited by the submitters: PubMed 20533529; PubMed 17258725; PubMed 24440087; PubMed 16338176; PubMed 21618646; PubMed 26318770; PubMed 23629955; PubMed 10037723.